The following is an entry in ClinVar:

NM_001267550.2(TTN):c.11969C>T (p.Pro3990Leu)

Gene: TTN (titin; minus strand). Cytogenetic location: 2q31.2.
Variant type: single nucleotide variant.
Coding change: c.11969C>T on transcript NM_001267550.2 (MANE Select); coding-DNA position 11969, C replaced by T.
Protein change: p.Pro3990Leu; replaces proline 3990 with leucine.
Molecular consequence: missense variant. On other transcripts: intron variant (1).
Genome position (GRCh38, 1-based): chr2:178,741,264, G>A on the plus strand (C>T on the coding strand, the complement: TTN is on the minus strand). VCF-style: chr2-178741264-G-A. GRCh37 (hg19) VCF-style: chr2-179605991-G-A.
Other names: p.P3752L:CCT>CTT; p.Pro3673Leu; c.11018C>T, p.Pro3673Leu (NM_001256850.1); c.10880C>T, p.Pro3627Leu (NM_003319.4); c.11255C>T, p.Pro3752Leu (NM_133432.3); c.11456C>T, p.Pro3819Leu (NM_133437.4); c.10361-2904C>T (NM_133378.4); short protein forms P3990L, P3673L, P3752L, P3627L, P3819L.
Identifiers: ClinVar variation 47814 (VCV000047814.81), dbSNP rs33971253, ClinGen allele CA284516.

ClinVar aggregate classification (germline): Benign/Likely benign. Review status: criteria provided, multiple submitters, no conflicts (2 of 4 stars). 25 submissions from 22 submitters: Benign (17); Likely benign (2). 6 of the submissions do not count toward it. Last evaluated 2026-09-01.

Conditions:
Hypertrophic cardiomyopathy. Also called: HYPERTROPHIC MYOCARDIOPATHY. Identifiers: Orphanet 217569, MedGen C0007194, MeSH D002312, MONDO:0005045, HP:0001639.
Supraventricular tachycardia. Identifiers: MedGen C0039240, HP:0004755.
Cardiovascular phenotype. Identifiers: MedGen CN230736.
Autosomal recessive limb-girdle muscular dystrophy type 2J (LGMDR10). Also called: MUSCULAR DYSTROPHY, LIMB-GIRDLE, AUTOSOMAL RECESSIVE 10; Limb-girdle muscular dystrophy, type 2J. Identifiers: Orphanet 140922, MedGen C1837342, MONDO:0012127, OMIM 608807.
Dilated cardiomyopathy 1G (CMD1G). Identifiers: Orphanet 154, MedGen C1858763, MONDO:0011400, OMIM 604145.
Cardiomyopathy (CMYO). Also called: Cardiomyopathies. Identifiers: Orphanet 167848, MedGen C0878544, MONDO:0004994, HP:0001638. Inheritance: Various modes of inheritance.
Early-onset myopathy with fatal cardiomyopathy (CMYO5). Also called: CONGENITAL MYOPATHY 5 WITH CARDIOMYOPATHY; Salih Myopathy. Identifiers: Orphanet 289377, MedGen C2673677, MONDO:0012714, OMIM 611705. Disease mechanism: loss of function.
Myopathy, myofibrillar, 9, with early respiratory failure (MFM9). Also called: Myopathy, distal, with early respiratory failure, autosomal dominant; Hereditary myopathy with early respiratory failure; EDSTROM MYOPATHY; MYOPATHY, PROXIMAL, WITH EARLY RESPIRATORY MUSCLE INVOLVEMENT. Identifiers: Orphanet 178464, Orphanet 34521, MedGen C1863599, MONDO:0011362, OMIM 603689.
Tibial muscular dystrophy (TMD). Also called: Tibial muscular dystrophy, tardive; Udd Distal Myopathy – Tibial Muscular Dystrophy; UDD MYOPATHY. Identifiers: Orphanet 609, MedGen C1838244, MONDO:0010870, OMIM 600334.

Allele frequency attached by ClinVar (database versions not stated): 1000 Genomes Project 0.00280; gnomAD 0.00570; gnomAD exomes 0.00651; TOPMed 0.00657; ExAC 0.00704; ESP Exome Variant Server 0.00904; 1000 Genomes Project 30x 0.00265.
gnomAD v4.1: 16,197 of 1,613,806 alleles (1%); highest among the groups gnomAD compares: Non-Finnish European, 1.3%; 103 homozygotes.

Submissions (25):

CeGaT Center for Human Genetics Tuebingen
Classification: Benign. Last evaluated: 2026-09-01. Review status: criteria provided, single submitter. Criteria: CeGaT Center For Human Genetics Tuebingen Variant Classification Criteria Version 2. Collection method: clinical testing. Allele origin: germline. Affected: yes. Observed: 65 variant alleles.
Comment: TTN: BP4, BS1, BS2

Molecular Diagnostic Laboratory for Inherited Cardiovascular Disease, Montreal Heart Institute
Classification: Likely benign. Last evaluated: 2026-03-27. Review status: criteria provided, single submitter. Criteria: ACMG Guidelines, 2015. Collection method: clinical testing. Allele origin: germline. Affected: no.

Labcorp Genetics (formerly Invitae), Labcorp
Classification: Benign for Dilated cardiomyopathy 1G; Autosomal recessive limb-girdle muscular dystrophy type 2J. Last evaluated: 2026-02-04. Review status: criteria provided, single submitter. Criteria: Invitae Variant Classification Sherloc (09022015). Collection method: clinical testing. Allele origin: germline.

ARUP Laboratories, Molecular Genetics and Genomics, ARUP Laboratories
Classification: Benign. Last evaluated: 2024-11-21. Review status: criteria provided, single submitter. Criteria: ARUP Molecular Germline Variant Investigation Process 2024. Collection method: clinical testing. Allele origin: germline.

Blueprint Genetics
Classification: Likely benign. Last evaluated: 2024-11-21. Review status: criteria provided, single submitter. Criteria: ACMG Guidelines, 2015. Collection method: clinical testing. Allele origin: germline.

Genome-Nilou Lab
Classification: Benign for Autosomal recessive limb-girdle muscular dystrophy type 2J. Last evaluated: 2021-09-10. Review status: criteria provided, single submitter. Criteria: ACMG Guidelines, 2015. Collection method: clinical testing. Allele origin: germline. Affected: no.

Genome-Nilou Lab
Classification: Benign for Myopathy, myofibrillar, 9, with early respiratory failure. Last evaluated: 2021-09-10. Review status: criteria provided, single submitter. Criteria: ACMG Guidelines, 2015. Collection method: clinical testing. Allele origin: germline. Affected: no.

Genome-Nilou Lab
Classification: Benign for Early-onset myopathy with fatal cardiomyopathy. Last evaluated: 2021-09-10. Review status: criteria provided, single submitter. Criteria: ACMG Guidelines, 2015. Collection method: clinical testing. Allele origin: germline. Affected: no.

Genome-Nilou Lab
Classification: Benign for Tibial muscular dystrophy. Last evaluated: 2021-09-10. Review status: criteria provided, single submitter. Criteria: ACMG Guidelines, 2015. Collection method: clinical testing. Allele origin: germline. Affected: no.

Athena Diagnostics
Classification: Benign. Last evaluated: 2019-07-31. Review status: criteria provided, single submitter. Criteria: Athena Diagnostics Criteria. Collection method: clinical testing. Allele origin: germline.

Center for Advanced Laboratory Medicine, UC San Diego Health, University of California San Diego
Classification: Benign for Hypertrophic cardiomyopathy; Supraventricular tachycardia. Last evaluated: 2019-03-25. Review status: criteria provided, single submitter. Criteria: ACMG Guidelines, 2015. Collection method: clinical testing. Allele origin: germline. Affected: yes. Observed: 4 variant alleles.

Mayo Clinic Laboratories, Mayo Clinic
Classification: Benign. Last evaluated: 2016-02-12. Review status: criteria provided, single submitter. Criteria: ACMG Guidelines, 2015. Collection method: clinical testing. Allele origin: germline. Observed: 26 variant alleles.

CHEO Genetics Diagnostic Laboratory, Children's Hospital of Eastern Ontario
Classification: Benign for Cardiomyopathy. Last evaluated: 2015-12-03. Review status: criteria provided, single submitter. Criteria: ACMG Guidelines, 2015. Collection method: clinical testing. Allele origin: germline. Study: Canadian Open Genetics Repository.

Ambry Genetics
Classification: Benign for Cardiovascular phenotype. Last evaluated: 2015-11-19. Review status: criteria provided, single submitter. Criteria: Ambry Variant Classification Scheme 2023. Collection method: clinical testing. Allele origin: germline.

GeneDx
Classification: Benign. Last evaluated: 2013-08-29. Review status: criteria provided, single submitter. Criteria: GeneDx Variant Classification (06012015). Collection method: clinical testing. Allele origin: germline. Affected: yes.
Comment: This variant is considered likely benign or benign based on one or more of the following criteria: it is a conservative change, it occurs at a poorly conserved position in the protein, it is predicted to be benign by multiple in silico algorithms, and/or has population frequency not consistent with disease.

Biesecker Lab/Clinical Genomics Section, National Institutes of Health
Classification: Benign. Last evaluated: 2013-06-24. Review status: criteria provided, single submitter. Criteria: Ng et al. (Circ Cardiovasc Genet. 2013). Collection method: research. Allele origin: unknown. Observed: 11 variant alleles. Study: ClinSeq.
Comment: The study set was not selected for affection status in relation to any cancer. Pathogenicity categories were based on literature curation. See Pubmed ID:23861362 for details.

Medical sequencing

Laboratory for Molecular Medicine, Mass General Brigham Personalized Medicine
Classification: Benign. Last evaluated: 2012-02-23. Review status: criteria provided, single submitter. Criteria: LMM Criteria. Collection method: clinical testing. Allele origin: germline. Observed: 34 variant alleles.
Comment: Pro3752Leu in exon 45B of TTN: This variant is not expected to have clinical sig nificance because it is not located within the splice consensus sequence and has been identified in 1.1% (73/6658) of European American chromosomes from a broad population by the NHLBI Exome Sequencing Project (EVS; dbSNP rs33971253). Pro3752Leu in exon 45B of TTN (rs33971253; allele frequ ency = 1.1%, 73/6658) **

Breakthrough Genomics
Classification: Benign. Review status: criteria provided, single submitter. Criteria: ACMG Guidelines, 2015. Collection method: not provided. Allele origin: germline. Inheritance: Autosomal recessive inheritance. Affected: yes.

PreventionGenetics, part of Exact Sciences
Classification: Benign. Review status: criteria provided, single submitter. Criteria: ACMG Guidelines, 2015. Collection method: clinical testing. Allele origin: germline.

Clinical Genetics DNA and cytogenetics Diagnostics Lab, Erasmus MC, Erasmus Medical Center
Classification: Benign. Review status: no assertion criteria provided. Collection method: clinical testing. Allele origin: germline. Affected: yes. Study: VKGL Data-share Consensus. Not counted in ClinVar's aggregate classification.

Clinical Genetics, Academic Medical Center
Classification: Benign. Review status: no assertion criteria provided. Collection method: clinical testing. Allele origin: germline. Affected: yes. Study: VKGL Data-share Consensus. Not counted in ClinVar's aggregate classification.

Diagnostic Laboratory, Department of Genetics, University Medical Center Groningen
Classification: Likely benign. Review status: no assertion criteria provided. Collection method: clinical testing. Allele origin: germline. Affected: yes. Study: VKGL Data-share Consensus. Not counted in ClinVar's aggregate classification.

Genome Diagnostics Laboratory, University Medical Center Utrecht
Classification: Benign. Review status: no assertion criteria provided. Collection method: clinical testing. Allele origin: germline. Affected: yes. Study: VKGL Data-share Consensus. Not counted in ClinVar's aggregate classification.

Joint Genome Diagnostic Labs from Nijmegen and Maastricht, Radboudumc and MUMC+
Classification: Benign. Review status: no assertion criteria provided. Collection method: clinical testing. Allele origin: germline. Affected: yes. Study: VKGL Data-share Consensus. Not counted in ClinVar's aggregate classification.

Laboratory of Diagnostic Genome Analysis, Leiden University Medical Center (LUMC)
Classification: Likely benign. Review status: no assertion criteria provided. Collection method: clinical testing. Allele origin: germline. Affected: yes. Study: VKGL Data-share Consensus. Not counted in ClinVar's aggregate classification.

Literature cited by the submitters: PubMed 28600387 (cited by Athena Diagnostics).